The following is an entry in ClinVar:

NM_001017420.3(ESCO2):c.1643G>A (p.Arg548His)

Gene: ESCO2 (establishment of sister chromatid cohesion N-acetyltransferase 2; plus strand). Cytogenetic location: 8p21.1.
Variant type: single nucleotide variant.
Coding change: c.1643G>A on transcript NM_001017420.3 (MANE Select); coding-DNA position 1643, G replaced by A.
Protein change: p.Arg548His; replaces arginine 548 with histidine.
Molecular consequence: missense variant.
Genome position (GRCh38, 1-based): chr8:27,799,686, G>A. VCF-style: chr8-27799686-G-A. GRCh37 (hg19) VCF-style: chr8-27657203-G-A.
Other names: short protein forms R548H.
Identifiers: ClinVar variation 2184294 (VCV002184294.5), dbSNP rs756989789, ClinGen allele CA370827500.

ClinVar aggregate classification (germline): Uncertain significance. Review status: criteria provided, multiple submitters, no conflicts (2 of 4 stars). 2 submissions from 2 submitters: Uncertain significance (2). Last evaluated 2024-03-02.

Conditions:
Roberts-SC phocomelia syndrome (RBS). Also called: LONG BONE DEFICIENCIES ASSOCIATED WITH CLEFT LIP-PALATE; ESCO2 Spectrum Disorder; Hypomelia hypotrichosis facial hemangioma syndrome; Pseudothalidomide syndrome; Appelt-Gerken-Lenz syndrome. Identifiers: Orphanet 3103, MedGen C0392475, MONDO:0100253, OMIM 268300.
Juberg-Hayward syndrome (JHS). Also called: OROCRANIODIGITAL SYNDROME; Cleft lip/palate with abnormal thumbs and microcephaly. Identifiers: Orphanet 2319, MedGen C0796099, MONDO:0008992, OMIM 216100.

Allele frequency attached by ClinVar (database versions not stated): TOPMed 0.00001.
gnomAD v4.1: 7 of 1,613,892 alleles (0.00043%); highest among the groups gnomAD compares: Middle Eastern, 0.017%; no homozygotes.

Submissions (2):

Fulgent Genetics
Classification: Uncertain significance for Juberg-Hayward syndrome; Roberts-SC phocomelia syndrome. Last evaluated: 2024-03-02. Review status: criteria provided, single submitter. Criteria: ACMG Guidelines, 2015. Collection method: clinical testing. Allele origin: germline.

Labcorp Genetics (formerly Invitae), Labcorp
Classification: Uncertain significance. Last evaluated: 2023-10-13. Review status: criteria provided, single submitter. Criteria: Invitae Variant Classification Sherloc (09022015). Collection method: clinical testing. Allele origin: germline.
Comment: This sequence change replaces arginine, which is basic and polar, with histidine, which is basic and polar, at codon 548 of the ESCO2 protein (p.Arg548His). This variant is present in population databases (no rsID available, gnomAD 0.003%). This variant has not been reported in the literature in individuals affected with ESCO2-related conditions. ClinVar contains an entry for this variant (Variation ID: 2184294). An algorithm developed to predict the effect of missense changes on protein structure and function (PolyPhen-2) suggests that this variant is likely to be disruptive. In summary, the available evidence is currently insufficient to determine the role of this variant in disease. Therefore, it has been classified as a Variant of Uncertain Significance.